The following is an entry in ClinVar:

ClinVar aggregate classification (germline): Likely benign (1 of 4 stars; one submission).

gnomAD v4.1: 116 of 1,613,438 alleles (0.0072%); highest among the groups gnomAD compares: Admixed American, 0.07%; 1 homozygote.

Submission:

CeGaT Center for Human Genetics Tuebingen
Classification: Likely benign. Last evaluated: 2026-06-01. Review status: criteria provided, single submitter. Criteria: CeGaT Center For Human Genetics Tuebingen Variant Classification Criteria Version 2. Collection method: clinical testing. Allele origin: germline. Affected: yes. Observed: 1 variant allele.
Comment: CATSPER2: BP4, BP7

NM_172095.4(CATSPER2):c.1527C>T (p.Asn509=)

Gene: CATSPER2 (cation channel sperm associated 2; minus strand). Cytogenetic location: 15q15.3.
Variant type: single nucleotide variant.
Coding change: c.1527C>T on transcript NM_172095.4 (MANE Select); coding-DNA position 1527, C replaced by T.
Protein change: p.Asn509=; no amino-acid change (asparagine 509 retained).
Molecular consequence: synonymous variant. On other transcripts: non-coding transcript variant (2).
Genome position (GRCh38, 1-based): chr15:43,632,233, G>A on the plus strand (C>T on the coding strand, the complement: CATSPER2 is on the minus strand). VCF-style: chr15-43632233-G-A. GRCh37 (hg19) VCF-style: chr15-43924431-G-A.
Other names: c.1521C>T, p.Asn507= (NM_001282309.3); c.1539C>T, p.Asn513= (NM_001282310.2).
Identifiers: ClinVar variation 4872727 (VCV004872727.2).